The following is an entry in ClinVar:

ClinVar aggregate classification (germline): Uncertain significance (1 of 4 stars; one submission).

gnomAD v4.1: 1 of 1,613,080 alleles (0.000062%); highest among the groups gnomAD compares: Non-Finnish European, 0.000085%; no homozygotes.

Submission:

GeneDx
Classification: Uncertain significance. Last evaluated: 2024-11-25. Review status: criteria provided, single submitter. Criteria: GeneDx Variant Classification Process June 2021. Collection method: clinical testing. Allele origin: germline. Affected: yes.
Comment: Not observed at significant frequency in large population cohorts (gnomAD); In silico analysis indicates that this missense variant does not alter protein structure/function; Has not been previously published as pathogenic or benign to our knowledge

NM_001374353.1(GLI2):c.4223G>T (p.Gly1408Val)

Gene: GLI2 (GLI family zinc finger 2; plus strand). Cytogenetic location: 2q14.2.
Variant type: single nucleotide variant.
Coding change: c.4223G>T on transcript NM_001374353.1 (MANE Select); coding-DNA position 4223, G replaced by T.
Protein change: p.Gly1408Val; replaces glycine 1408 with valine.
Molecular consequence: missense variant.
Genome position (GRCh38, 1-based): chr2:120,990,188, G>T. VCF-style: chr2-120990188-G-T. GRCh37 (hg19) VCF-style: chr2-121747764-G-T.
Other names: c.4274G>T, p.Gly1425Val (NM_001371271.1, NM_005270.5); c.3848G>T, p.Gly1283Val (NM_001374354.1); short protein forms G1283V, G1408V, G1425V.
Identifiers: ClinVar variation 3900233 (VCV003900233.1).